The following is an entry in ClinVar:

ClinVar aggregate classification (germline): Uncertain significance (1 of 4 stars; one submission).

Submission:

Labcorp Genetics (formerly Invitae), Labcorp
Classification: Uncertain significance. Last evaluated: 2022-10-24. Review status: criteria provided, single submitter. Criteria: Invitae Variant Classification Sherloc (09022015). Collection method: clinical testing. Allele origin: germline.
Comment: ClinVar contains an entry for this variant (Variation ID: 1398387). In summary, the available evidence is currently insufficient to determine the role of this variant in disease. Therefore, it has been classified as a Variant of Uncertain Significance. Advanced modeling of protein sequence and biophysical properties (such as structural, functional, and spatial information, amino acid conservation, physicochemical variation, residue mobility, and thermodynamic stability) performed at Invitae indicates that this missense variant is not expected to disrupt ACAN protein function. This variant has not been reported in the literature in individuals affected with ACAN-related conditions. This variant is not present in population databases (gnomAD no frequency). This sequence change replaces alanine, which is neutral and non-polar, with proline, which is neutral and non-polar, at codon 63 of the ACAN protein (p.Ala63Pro).

NM_001369268.1(ACAN):c.187G>C (p.Ala63Pro)

Gene: ACAN (aggrecan; plus strand). Cytogenetic location: 15q26.1.
Variant type: single nucleotide variant.
Coding change: c.187G>C on transcript NM_001369268.1 (MANE Select); coding-DNA position 187, G replaced by C.
Protein change: p.Ala63Pro; replaces alanine 63 with proline.
Molecular consequence: missense variant.
Genome position (GRCh38, 1-based): chr15:88,838,779, G>C. VCF-style: chr15-88838779-G-C. GRCh37 (hg19) VCF-style: chr15-89382010-G-C.
Other names: c.187G>C, p.Ala63Pro (NM_001135.4, NM_013227.4); short protein forms A63P.
Identifiers: ClinVar variation 1398387 (VCV001398387.8), dbSNP rs749720584, ClinGen allele CA393714904.